The following is an entry in ClinVar:

NM_001018113.3(FANCB):c.439G>A (p.Val147Ile)

Gene: FANCB (FA complementation group B; minus strand). Cytogenetic location: Xp22.2.
Variant type: single nucleotide variant.
Coding change: c.439G>A on transcript NM_001018113.3 (MANE Select); coding-DNA position 439, G replaced by A.
Protein change: p.Val147Ile; replaces valine 147 with isoleucine.
Molecular consequence: missense variant.
Genome position (GRCh38, 1-based): chrX:14,865,072, C>T on the plus strand (G>A on the coding strand, the complement: FANCB is on the minus strand). VCF-style: chrX-14865072-C-T. GRCh37 (hg19) VCF-style: chrX-14883194-C-T.
Other names: c.439G>A, p.Val147Ile (NM_001324162.2, NM_001410764.1, NM_152633.4); short protein forms V147I.
Identifiers: ClinVar variation 2163733 (VCV002163733.4), dbSNP rs2519011883, ClinGen allele CA412444501.

ClinVar aggregate classification (germline): Uncertain significance (1 of 4 stars; one submission).

Conditions:
Fanconi anemia (FA). Also called: Fanconi's anemia. Identifiers: Orphanet 84, MedGen C0015625, MeSH D005199, MONDO:0019391.

Submission:

Labcorp Genetics (formerly Invitae), Labcorp
Classification: Uncertain significance for Fanconi anemia. Last evaluated: 2022-04-18. Review status: criteria provided, single submitter. Criteria: Invitae Variant Classification Sherloc (09022015). Collection method: clinical testing. Allele origin: germline.
Comment: In summary, the available evidence is currently insufficient to determine the role of this variant in disease. Therefore, it has been classified as a Variant of Uncertain Significance. This sequence change replaces valine, which is neutral and non-polar, with isoleucine, which is neutral and non-polar, at codon 147 of the FANCB protein (p.Val147Ile). This variant is not present in population databases (gnomAD no frequency). This variant has not been reported in the literature in individuals affected with FANCB-related conditions. Algorithms developed to predict the effect of missense changes on protein structure and function output the following: SIFT: "Tolerated"; PolyPhen-2: "Benign"; Align-GVGD: "Class C0". The isoleucine amino acid residue is found in multiple mammalian species, which suggests that this missense change does not adversely affect protein function.